The following is an entry in ClinVar:

NM_017514.5(PLXNA3):c.3405G>A (p.Val1135=)

Gene: PLXNA3 (plexin A3; plus strand). Cytogenetic location: Xq28.
Variant type: single nucleotide variant.
Coding change: c.3405G>A on transcript NM_017514.5 (MANE Select); coding-DNA position 3405, G replaced by A.
Protein change: p.Val1135=; no amino-acid change (valine 1135 retained).
Molecular consequence: synonymous variant.
Genome position (GRCh38, 1-based): chrX:154,467,435, G>A. VCF-style: chrX-154467435-G-A. GRCh37 (hg19) VCF-style: chrX-153695778-G-A.
Identifiers: ClinVar variation 738144 (VCV000738144.6), dbSNP rs150943884, ClinGen allele CA10564616.
Genomic context (GRCh38, chrX:154,467,435, plus strand): 5'-CCGCTCCTCCTTTACCTACTACCCTGATCCCAGCTTTGAGCCGCTGGGGCCCTCTGGCGT[G>A]CTGGACGTCAAACCGGGCTCCCACGTGGTGCTGAAGGTGCGGGCGGGGTGGGGGCGGGGA-3'
Protein context (NP_059984.3, residues 1125-1145): PSFEPLGPSG[Val1135=]LDVKPGSHVV

ClinVar aggregate classification (germline): Benign. Review status: criteria provided, multiple submitters, no conflicts (2 of 4 stars). 3 submissions from 3 submitters: Benign (2). 1 of the submissions does not count toward it. Last evaluated 2018-05-02.

Conditions:
PLXNA3-related disorder. Also called: PLXNA3-related condition.

Allele frequency attached by ClinVar (database versions not stated): ESP Exome Variant Server 0.00028; TOPMed 0.00042; gnomAD 0.00044 and 0.00051; gnomAD exomes 0.00072 and 0.00096; 1000 Genomes Project 0.00079; 1000 Genomes Project 30x 0.00104; ExAC 0.00112.
gnomAD v4.1: 849 of 1,198,537 alleles (0.071%); highest among the groups gnomAD compares: South Asian, 0.54%; no homozygotes.

Submissions (3):

Labcorp Genetics (formerly Invitae), Labcorp
Classification: Benign. Last evaluated: 2018-05-02. Review status: criteria provided, single submitter. Criteria: Invitae Variant Classification Sherloc (09022015). Collection method: clinical testing. Allele origin: germline.

Breakthrough Genomics
Classification: Benign. Review status: criteria provided, single submitter. Criteria: ACMG Guidelines, 2015. Collection method: not provided. Allele origin: germline. Inheritance: Unknown mechanism. Affected: yes.

PreventionGenetics, part of Exact Sciences
Classification: Likely benign for PLXNA3-related condition. Last evaluated: 2021-08-12. Review status: no assertion criteria provided. Collection method: clinical testing. Allele origin: germline. Not counted in ClinVar's aggregate classification.
Comment: This variant is classified as likely benign based on ACMG/AMP sequence variant interpretation guidelines (Richards et al. 2015 PMID: 25741868, with internal and published modifications).